The following is an entry in ClinVar:

NM_001099922.3(ALG13):c.2983C>A (p.His995Asn)

Gene: ALG13 (ALG13 UDP-N-acetylglucosaminyltransferase subunit; plus strand). Cytogenetic location: Xq23.
Variant type: single nucleotide variant.
Coding change: c.2983C>A on transcript NM_001099922.3 (MANE Select); coding-DNA position 2983, C replaced by A.
Protein change: p.His995Asn; replaces histidine 995 with asparagine.
Molecular consequence: missense variant. On other transcripts: non-coding transcript variant (1).
Genome position (GRCh38, 1-based): chrX:111,757,597, C>A. VCF-style: chrX-111757597-C-A. GRCh37 (hg19) VCF-style: chrX-111000825-C-A.
Other names: c.2434C>A, p.His812Asn (NM_001257230.2, NM_001257234.2, NM_001257237.2); c.2749C>A, p.His917Asn (NM_001257231.2); c.2746C>A, p.His916Asn (NM_001324292.2); c.2260C>A, p.His754Asn (NM_001324293.1); short protein forms H916N, H917N, H754N, H812N, H995N.
Identifiers: ClinVar variation 1042471 (VCV001042471.9), dbSNP rs1945383559, ClinGen allele CA414292494.
Genomic context (GRCh38, chrX:111,757,597, plus strand): 5'-AATAGAGAAGAGTGAAGTTTCTTATTTTTTTGTTGCCCTTTCTTGCTCAAGTGCTATTAC[C>A]ACAGCTACTGGCACTCCATGGTCTATGTGCCACAGATGCAGCAGCAGCTTCATGTAGAGA-3'
Protein context (NP_001093392.1, residues 985-1005): YFNLGLQCYY[His995Asn]SYWHSMVYVP

ClinVar aggregate classification (germline): Uncertain significance (1 of 4 stars; one submission).

Conditions:
Developmental and epileptic encephalopathy, 36 (DEE36). Also called: ALG13-CDG; Congenital disorder of glycosylation, type Is; Epileptic encephalopathy, early infantile, 36. Identifiers: Orphanet 324422, MedGen C4317295, MONDO:0010472, OMIM 300884.

Submission:

Labcorp Genetics (formerly Invitae), Labcorp
Classification: Uncertain significance for Developmental and epileptic encephalopathy, 36. Last evaluated: 2022-10-05. Review status: criteria provided, single submitter. Criteria: Invitae Variant Classification Sherloc (09022015). Collection method: clinical testing. Allele origin: germline.
Comment: In summary, the available evidence is currently insufficient to determine the role of this variant in disease. Therefore, it has been classified as a Variant of Uncertain Significance. Algorithms developed to predict the effect of missense changes on protein structure and function are either unavailable or do not agree on the potential impact of this missense change (SIFT: "Tolerated"; PolyPhen-2: "Probably Damaging"; Align-GVGD: "Class C0"). ClinVar contains an entry for this variant (Variation ID: 1042471). This variant has not been reported in the literature in individuals affected with ALG13-related conditions. This variant is not present in population databases (gnomAD no frequency). This sequence change replaces histidine, which is basic and polar, with asparagine, which is neutral and polar, at codon 995 of the ALG13 protein (p.His995Asn).